The following is an entry in ClinVar:

NM_152703.5(SAMD9L):c.1895G>A (p.Arg632Lys)

Gene: SAMD9L (sterile alpha motif domain containing 9 like; minus strand). Cytogenetic location: 7q21.2.
Variant type: single nucleotide variant.
Coding change: c.1895G>A on transcript NM_152703.5 (MANE Select); coding-DNA position 1895, G replaced by A.
Protein change: p.Arg632Lys; replaces arginine 632 with lysine.
Molecular consequence: missense variant.
Genome position (GRCh38, 1-based): chr7:93,134,077, C>T on the plus strand (G>A on the coding strand, the complement: SAMD9L is on the minus strand). VCF-style: chr7-93134077-C-T. GRCh37 (hg19) VCF-style: chr7-92763390-C-T.
Other names: c.1895G>A, p.Arg632Lys (NM_001303496.3, NM_001303497.3, NM_001303498.3 and 5 more transcripts); c.1895G>A (NM_152703.3, NM_152703.2); short protein forms R632K.
Identifiers: ClinVar variation 2199738 (VCV002199738.7), dbSNP rs752559764, ClinGen allele CA4343665.

ClinVar aggregate classification (germline): Conflicting classifications of pathogenicity. Review status: criteria provided, conflicting classifications (1 of 4 stars). 3 submissions from 3 submitters: Uncertain significance (2); Likely benign (1). Last evaluated 2025-12-17.

Conditions:
Inborn genetic diseases. Identifiers: MedGen C0950123, MeSH D030342.

Allele frequency attached by ClinVar (database versions not stated): ExAC 0.00001; gnomAD 0.00003; TOPMed 0.00003.

Submissions (3):

Labcorp Genetics (formerly Invitae), Labcorp
Classification: Uncertain significance. Last evaluated: 2025-12-17. Review status: criteria provided, single submitter. Criteria: Invitae Variant Classification Sherloc (09022015). Collection method: clinical testing. Allele origin: germline.
Comment: This sequence change replaces arginine, which is basic and polar, with lysine, which is basic and polar, at codon 632 of the SAMD9L protein (p.Arg632Lys). This variant is present in population databases (rs752559764, gnomAD 0.0009%). This variant has not been reported in the literature in individuals affected with SAMD9L-related conditions. ClinVar contains an entry for this variant (Variation ID: 2199738). An algorithm developed to predict the effect of missense changes on protein structure and function outputs the following: PolyPhen-2: "Benign". The lysine amino acid residue is found in multiple mammalian species, which suggests that this missense change does not adversely affect protein function. In summary, the available evidence is currently insufficient to determine the role of this variant in disease. Therefore, it has been classified as a Variant of Uncertain Significance.

Ambry Genetics
Classification: Likely benign for Inborn genetic diseases. Last evaluated: 2025-09-26. Review status: criteria provided, single submitter. Criteria: Ambry Variant Classification Scheme 2023. Collection method: clinical testing. Allele origin: germline.

GeneDx
Classification: Uncertain significance. Last evaluated: 2023-08-14. Review status: criteria provided, single submitter. Criteria: GeneDx Variant Classification Process June 2021. Collection method: clinical testing. Allele origin: germline. Affected: yes.
Comment: Not observed at significant frequency in large population cohorts (gnomAD); In silico analysis supports that this missense variant does not alter protein structure/function; Has not been previously published as pathogenic or benign to our knowledge